The following is an entry in ClinVar:

ClinVar aggregate classification (germline): Uncertain significance (1 of 4 stars; one submission).

Submission:

Labcorp Genetics (formerly Invitae), Labcorp
Classification: Uncertain significance. Last evaluated: 2023-10-07. Review status: criteria provided, single submitter. Criteria: Invitae Variant Classification Sherloc (09022015). Collection method: clinical testing. Allele origin: germline.
Comment: This sequence change replaces cysteine, which is neutral and slightly polar, with serine, which is neutral and polar, at codon 83 of the UMOD protein (p.Cys83Ser). This variant is not present in population databases (gnomAD no frequency). This missense change has been observed in individual(s) with autosomal dominant tubulointerstitial kidney disease (PMID: 32954071). Advanced modeling of protein sequence and biophysical properties (such as structural, functional, and spatial information, amino acid conservation, physicochemical variation, residue mobility, and thermodynamic stability) performed at Invitae indicates that this missense variant is expected to disrupt UMOD protein function. In summary, the available evidence is currently insufficient to determine the role of this variant in disease. Therefore, it has been classified as a Variant of Uncertain Significance.

Literature cited by the submitters: PubMed 32954071.

NM_003361.4(UMOD):c.247T>A (p.Cys83Ser)

Gene: UMOD (uromodulin; minus strand). Cytogenetic location: 16p12.3.
Variant type: single nucleotide variant.
Coding change: c.247T>A on transcript NM_003361.4 (MANE Select); coding-DNA position 247, T replaced by A.
Protein change: p.Cys83Ser; replaces cysteine 83 with serine.
Molecular consequence: missense variant. On other transcripts: non-coding transcript variant (1).
Genome position (GRCh38, 1-based): chr16:20,349,054, A>T on the plus strand (T>A on the coding strand, the complement: UMOD is on the minus strand). VCF-style: chr16-20349054-A-T. GRCh37 (hg19) VCF-style: chr16-20360376-A-T.
Other names: c.247T>A, p.Cys83Ser (NM_001008389.3, NM_001378232.1, NM_001378233.1 and 3 more transcripts); c.346T>A, p.Cys116Ser (NM_001278614.2); short protein forms C83S, C116S.
Identifiers: ClinVar variation 2780336 (VCV002780336.3), dbSNP rs1965758091, ClinGen allele CA394987066.